The following is an entry in ClinVar:

NM_002490.4(NDUFA6):c.33C>A (p.Arg11=)

Gene: NDUFA6 (NADH:ubiquinone oxidoreductase subunit A6; minus strand). Cytogenetic location: 22q13.2.
Variant type: single nucleotide variant.
Coding change: c.33C>A on transcript NM_002490.4; coding-DNA position 33, C replaced by A.
Protein change: p.Arg11=; no amino-acid change (arginine 11 retained).
Genome position (GRCh38, 1-based): chr22:42,090,790, G>T on the plus strand (C>A on the coding strand, the complement: NDUFA6 is on the minus strand). VCF-style: chr22-42090790-G-T. GRCh37 (hg19) VCF-style: chr22-42486794-G-T.
Identifiers: ClinVar variation 3050255 (VCV003050255.2), dbSNP rs777453612, ClinGen allele CA10264469.

ClinVar aggregate classification (germline): Likely benign (0 of 4 stars; one submission).

Conditions:
NDUFA6-related disorder. Also called: NDUFA6-related condition.

Submission:

PreventionGenetics, part of Exact Sciences
Classification: Likely benign for NDUFA6-related condition. Last evaluated: 2019-02-18. Review status: no assertion criteria provided. Collection method: clinical testing. Allele origin: germline.
Comment: This variant is classified as likely benign based on ACMG/AMP sequence variant interpretation guidelines (Richards et al. 2015 PMID: 25741868, with internal and published modifications).